The following is an entry in ClinVar:

ClinVar aggregate classification (germline): Uncertain significance (1 of 4 stars; one submission).

Allele frequency attached by ClinVar (database versions not stated): ExAC 0.00001; gnomAD exomes 0.00002 and 0.00004.

Submission:

GeneDx
Classification: Uncertain significance. Last evaluated: 2021-04-12. Review status: criteria provided, single submitter. Criteria: GeneDx Variant Classification Process June 2021. Collection method: clinical testing. Allele origin: germline. Affected: yes.
Comment: Not observed at a significant frequency in large population cohorts (Lek et al., 2016); In silico analysis supports that this missense variant has a deleterious effect on protein structure/function; Has not been previously published as pathogenic or benign to our knowledge

NM_001696.4(ATP6V1E1):c.514T>C (p.Tyr172His)

Gene: ATP6V1E1 (ATPase H+ transporting V1 subunit E1; minus strand). Cytogenetic location: 22q11.21.
Variant type: single nucleotide variant.
Coding change: c.514T>C on transcript NM_001696.4 (MANE Select); coding-DNA position 514, T replaced by C.
Protein change: p.Tyr172His; replaces tyrosine 172 with histidine.
Molecular consequence: missense variant.
Genome position (GRCh38, 1-based): chr22:17,598,210, A>G on the plus strand (T>C on the coding strand, the complement: ATP6V1E1 is on the minus strand). VCF-style: chr22-17598210-A-G. GRCh37 (hg19) VCF-style: chr22-18080976-A-G.
Other names: c.448T>C, p.Tyr150His (NM_001039366.1); c.424T>C, p.Tyr142His (NM_001039367.1); short protein forms Y142H, Y150H, Y172H.
Identifiers: ClinVar variation 1314574 (VCV001314574.2), dbSNP rs748321704, ClinGen allele CA10090059.